The following is an entry in ClinVar:

ClinVar aggregate classification (germline): Pathogenic (1 of 4 stars; one submission).

Conditions:
Pallister-Hall syndrome (PHS). Also called: HYPOTHALAMIC HAMARTOBLASTOMA, HYPOPITUITARISM, IMPERFORATE ANUS, AND POSTAXIAL POLYDACTYLY; GLI3-Related Pallister-Hall Syndrome. Identifiers: Orphanet 672, MedGen C0265220, MONDO:0007804, OMIM 146510.
Greig cephalopolysyndactyly syndrome (GCPS). Also called: GLI3-Related Greig Cephalopolysyndactyly Syndrome; POLYSYNDACTYLY WITH PECULIAR SKULL SHAPE; Greig syndrome. Identifiers: Orphanet 380, MedGen C0265306, MONDO:0008287, OMIM 175700.

Submission:

Labcorp Genetics (formerly Invitae), Labcorp
Classification: Pathogenic for Pallister-Hall syndrome; Greig cephalopolysyndactyly syndrome. Last evaluated: 2021-02-15. Review status: criteria provided, single submitter. Criteria: Invitae Variant Classification Sherloc (09022015). Collection method: clinical testing. Allele origin: germline.
Comment: For these reasons, this variant has been classified as Pathogenic. This variant disrupts the C-terminus of the GLI3 protein. Other variant(s) that disrupt this region (p.Thr1488Lysfs*23) have been determined to be pathogenic (PMID: 24736735). This suggests that variants that disrupt this region of the protein are likely to be causative of disease. This variant has been observed in individual(s) with clinical features of Pallister-Hall syndrome (Invitae). This variant is not present in population databases (ExAC no frequency). This sequence change results in a premature translational stop signal in the GLI3 gene (p.Tyr1254*). While this is not anticipated to result in nonsense mediated decay, it is expected to disrupt the last 327 amino acids of the GLI3 protein.

Literature cited by the submitters: PubMed 24736735.

NM_000168.6(GLI3):c.3762T>G (p.Tyr1254Ter)

Gene: GLI3 (GLI family zinc finger 3; minus strand). Cytogenetic location: 7p14.1.
Variant type: single nucleotide variant.
Coding change: c.3762T>G on transcript NM_000168.6 (MANE Select); coding-DNA position 3762, T replaced by G.
Protein change: p.Tyr1254Ter; replaces tyrosine 1254 with a stop codon.
Molecular consequence: nonsense.
Genome position (GRCh38, 1-based): chr7:41,965,311, A>C on the plus strand (T>G on the coding strand, the complement: GLI3 is on the minus strand). VCF-style: chr7-41965311-A-C. GRCh37 (hg19) VCF-style: chr7-42004909-A-C.
Other names: short protein forms Y1254*.
Identifiers: ClinVar variation 1425074 (VCV001425074.8), dbSNP rs148043302, ClinGen allele CA367317093.
Genomic context (GRCh38, chr7:41,965,311, plus strand): 5'-GGCACCACAGGCACCGTCGAGTGCACCAGGGGCCACTGGCTGCCTGTTGAGACAGTTCCC[A>C]TACTGCGGGGCCTTACAGGGCTGTTCATGGAAGGCGTTTCCACTGGTGCCACTTCCGGGG-3'